The following is an entry in ClinVar:

NM_001371623.1(TCOF1):c.2762C>T (p.Pro921Leu)

Gene: TCOF1 (treacle ribosome biogenesis factor 1; plus strand). Cytogenetic location: 5q32.
Variant type: single nucleotide variant.
Coding change: c.2762C>T on transcript NM_001371623.1 (MANE Select); coding-DNA position 2762, C replaced by T.
Protein change: p.Pro921Leu; replaces proline 921 with leucine.
Molecular consequence: missense variant.
Genome position (GRCh38, 1-based): chr5:150,379,635, C>T. VCF-style: chr5-150379635-C-T. GRCh37 (hg19) VCF-style: chr5-149759198-C-T.
Other names: c.2531C>T, p.Pro844Leu (NM_000356.4, NM_001135245.2); c.2762C>T, p.Pro921Leu (NM_001008657.3, NM_001135243.2, NM_001135244.2 and 1 more transcripts); short protein forms P844L, P921L.
Identifiers: ClinVar variation 209031 (VCV000209031.22), dbSNP rs150515843, ClinGen allele CA276098.

ClinVar aggregate classification (germline): Benign/Likely benign. Review status: criteria provided, multiple submitters, no conflicts (2 of 4 stars). 9 submissions from 9 submitters: Benign (5); Likely benign (1). 3 of the submissions do not count toward it. Last evaluated 2026-01-08.

Conditions:
Treacher Collins syndrome 1 (TCS1). Also called: TCOF1-Related Treacher Collins Syndrome. Identifiers: Orphanet 861, MedGen CN315775, MONDO:0007944, OMIM 154500.

Allele frequency attached by ClinVar (database versions not stated): gnomAD exomes 0.00049 and 0.00119; ExAC 0.00147; 1000 Genomes Project 0.00439; 1000 Genomes Project 30x 0.00453; gnomAD 0.00504 and 0.00548; ESP Exome Variant Server 0.00546; TOPMed 0.00568.
gnomAD v4.1: 1,516 of 1,614,178 alleles (0.094%); highest among the groups gnomAD compares: African/African-American, 1.7%; 12 homozygotes.

Submissions (9):

Labcorp Genetics (formerly Invitae), Labcorp
Classification: Benign for Treacher Collins syndrome 1. Last evaluated: 2026-01-08. Review status: criteria provided, single submitter. Criteria: Invitae Variant Classification Sherloc (09022015). Collection method: clinical testing. Allele origin: germline.

Blueprint Genetics
Classification: Likely benign. Last evaluated: 2024-11-26. Review status: criteria provided, single submitter. Criteria: ACMG Guidelines, 2015. Collection method: clinical testing. Allele origin: germline.

GeneDx
Classification: Benign. Last evaluated: 2020-02-04. Review status: criteria provided, single submitter. Criteria: GeneDx Variant Classification Process June 2021. Collection method: clinical testing. Allele origin: germline. Affected: yes.
Comment: This variant is associated with the following publications: (PMID: 28065470)

Eurofins Ntd Llc (ga)
Classification: Benign. Last evaluated: 2018-07-06. Review status: criteria provided, single submitter. Criteria: EGL ClinVar v180209 classification definitions. Collection method: clinical testing. Allele origin: germline. Observed: 1 variant allele, 1 heterozygote.

Athena Diagnostics
Classification: Benign. Last evaluated: 2018-05-24. Review status: criteria provided, single submitter. Criteria: Athena Diagnostics Criteria. Collection method: clinical testing. Allele origin: germline.

PreventionGenetics, part of Exact Sciences
Classification: Benign. Review status: criteria provided, single submitter. Criteria: ACMG Guidelines, 2015. Collection method: clinical testing. Allele origin: germline.

Clinical Genetics DNA and cytogenetics Diagnostics Lab, Erasmus MC, Erasmus Medical Center
Classification: Benign. Review status: no assertion criteria provided. Collection method: clinical testing. Allele origin: germline. Affected: yes. Study: VKGL Data-share Consensus. Not counted in ClinVar's aggregate classification.

Genetics Laboratories, Oxford Radcliffe Hospitals NHS Trust
Classification: Uncertain significance for Treacher collins syndrome 1. Review status: no assertion criteria provided. Collection method: not provided. Allele origin: somatic. Not counted in ClinVar's aggregate classification.
ClinVar note: Converted during submission from Unknown significance to Uncertain significance.

Laboratory of Diagnostic Genome Analysis, Leiden University Medical Center (LUMC)
Classification: Likely benign. Review status: no assertion criteria provided. Collection method: clinical testing. Allele origin: germline. Affected: yes. Study: VKGL Data-share Consensus. Not counted in ClinVar's aggregate classification.

Literature cited by the submitters: PubMed 28065470 (cited by Athena Diagnostics).